The following is an entry in ClinVar:

NM_002641.4(PIGA):c.1139del (p.Ile380fs)

Gene: PIGA (phosphatidylinositol glycan anchor biosynthesis class A; minus strand). Cytogenetic location: Xp22.2.
Variant type: Deletion.
Coding change: c.1139del on transcript NM_002641.4 (MANE Select); coding-DNA position 1139, one base deleted (T; older notation c.1139delT).
Protein change: p.Ile380fs; shifts the reading frame from isoleucine 380.
Molecular consequence: frameshift variant. On other transcripts: non-coding transcript variant (2).
Genome position (GRCh38, 1-based): chrX:15,324,714, A deleted on the plus strand (T on the coding strand, the reverse complement: PIGA is on the minus strand). VCF-style (leftmost placement, unchanged base first): chrX-15324713-TA-T. GRCh37 (hg19) VCF-style: chrX-15342835-TA-T.
Other names: c.1139delT, p.Ile380Lysfs (NM_002641.3); c.437del, p.Ile146fs (NM_020473.3); short protein forms I146fs, I380fs.
Identifiers: ClinVar variation 2502427 (VCV002502427.1), dbSNP rs2519324628, ClinGen allele CA2580615384.

ClinVar aggregate classification (germline): Likely pathogenic (0 of 4 stars; one submission).

Conditions:
Paroxysmal nocturnal hemoglobinuria 1 (PNH1). Identifiers: Orphanet 447, MedGen C3806670, MONDO:0010438, OMIM 300818.

Submission:

Pangenia Genomics, Pangenia Inc.
Classification: Likely pathogenic for Paroxysmal nocturnal hemoglobinuria 1. Last evaluated: 2022-12-01. Review status: no assertion criteria provided. Collection method: research. Allele origin: somatic. Inheritance: Somatic mutation. Affected: yes.
Comment: This variant change creates a premature translational stop signal (p.Ile380Lysfs*2) in the PIGA gene. While this is not anticipated to result in nonsense mediated decay, it is expected to disrupt >10% of the PIGA protein at the C-terminus. Other variant(s) that disrupt this region (p.Arg412*) have been determined to be pathogenic (PMID: 22305531, 24706016, 26545172). Another variant (c.1323_1324del, p.Leu442fs) leading to a stop signal further downstream has been described in a PNH patient (PubMed: 8167330). This suggests that variants that disrupt this region of the protein are likely to disrupt protein function. This variant is absent from the gnomAD v2.1.1 dataset with good coverage of the locus.